The following is an entry in ClinVar:

ClinVar aggregate classification (germline): Uncertain significance (1 of 4 stars; one submission).

gnomAD v4.1: 1 of 1,612,912 alleles (0.000062%); no homozygotes.

Submission:

CeGaT Center for Human Genetics Tuebingen
Classification: Uncertain significance. Last evaluated: 2022-10-01. Review status: criteria provided, single submitter. Criteria: CeGaT Center For Human Genetics Tuebingen Variant Classification Criteria Version 2. Collection method: clinical testing. Allele origin: germline. Affected: yes. Observed: 2 variant alleles.
Comment: TMPRSS6: PM2

NM_001374504.1(TMPRSS6):c.899C>A (p.Ala300Glu)

Gene: TMPRSS6 (transmembrane serine protease 6; minus strand). Cytogenetic location: 22q12.3.
Variant type: single nucleotide variant.
Coding change: c.899C>A on transcript NM_001374504.1 (MANE Select); coding-DNA position 899, C replaced by A.
Protein change: p.Ala300Glu; replaces alanine 300 with glutamic acid.
Molecular consequence: missense variant.
Genome position (GRCh38, 1-based): chr22:37,086,357, G>T on the plus strand (C>A on the coding strand, the complement: TMPRSS6 is on the minus strand). VCF-style: chr22-37086357-G-T. GRCh37 (hg19) VCF-style: chr22-37482397-G-T.
Other names: c.899C>A, p.Ala300Glu (NM_001289000.2, NM_001289001.2, NM_153609.4); short protein forms A300E.
Identifiers: ClinVar variation 1879556 (VCV001879556.29), dbSNP rs1270960721, ClinGen allele CA411425663.
Genomic context (GRCh38, chr22:37,086,357, plus strand): 5'-GGCTGCACGGAGAGCACGAAGGGGTCGTAGTAGCTGTGCAGGCCCTTCTTCCAGACGACC[G>T]CCATGATGGCCCCCGACGCCAGAACCTCCACCACGGGCTCCTGGCGGCTGCAGCCGTACA-3'
Protein context (NP_001361433.1, residues 290-310): VEVLASGAIM[Ala300Glu]VVWKKGLHSY